The following is an entry in ClinVar:

NM_001195553.2(DCX):c.1002C>T (p.Ile334=)

Gene: DCX (doublecortin; minus strand). Cytogenetic location: Xq23.
Variant type: single nucleotide variant.
Coding change: c.1002C>T on transcript NM_001195553.2 (MANE Select); coding-DNA position 1002, C replaced by T.
Protein change: p.Ile334=; no amino-acid change (isoleucine 334 retained).
Molecular consequence: synonymous variant. On other transcripts: intron variant (3).
Genome position (GRCh38, 1-based): chrX:111,312,681, G>A on the plus strand (C>T on the coding strand, the complement: DCX is on the minus strand). VCF-style: chrX-111312681-G-A. GRCh37 (hg19) VCF-style: chrX-110555909-G-A.
Other names: c.1230C>T, p.Ile410= (NM_000555.3); c.1002C>T, p.Ile334= (NM_001369370.1, NM_001369371.1, NM_178152.3); c.987C>T, p.Ile329= (NM_001369372.1, NM_178151.3, NM_178153.3); c.932-10938C>T (NM_001369373.1, NM_001369374.1); c.947-10938C>T (NM_001410715.1).
Identifiers: ClinVar variation 5017275 (VCV005017275.1).

ClinVar aggregate classification (germline): Uncertain significance (1 of 4 stars; one submission).

gnomAD v4.1: 2 of 1,212,034 alleles (0.00017%); highest among the groups gnomAD compares: Non-Finnish European, 0.00022%; no homozygotes.

Submission:

GeneDx
Classification: Uncertain significance. Last evaluated: 2026-03-27. Review status: criteria provided, single submitter. Criteria: GeneDx Variant Classification Process June 2021. Collection method: clinical testing. Allele origin: germline.
Comment: Not observed at significant frequency in large population cohorts (gnomAD); In silico analysis suggests that this variant does not alter splicing; Has not been previously published as pathogenic or benign to our knowledge